The following is an entry in ClinVar:

NM_004385.5(VCAN):c.6968G>A (p.Gly2323Asp)

Genes: VCAN (versican; plus strand), VCAN-AS1 (VCAN antisense RNA 1; minus strand). Cytogenetic location: 5q14.3.
Variant type: single nucleotide variant.
Coding change: c.6968G>A on transcript NM_004385.5 (MANE Select); coding-DNA position 6968, G replaced by A.
Protein change: p.Gly2323Asp; replaces glycine 2323 with aspartic acid.
Molecular consequence: missense variant. On other transcripts: intron variant (2).
Genome position (GRCh38, 1-based): chr5:83,539,971, G>A. VCF-style: chr5-83539971-G-A. GRCh37 (hg19) VCF-style: chr5-82835790-G-A.
Other names: c.4007G>A, p.Gly1336Asp (NM_001164097.2); c.4004-5566G>A (NM_001164098.2); c.1043-5566G>A (NM_001126336.3); short protein forms G1336D, G2323D.
Identifiers: ClinVar variation 2416839 (VCV002416839.6), dbSNP rs2479116013, ClinGen allele CA360313735.

ClinVar aggregate classification (germline): Uncertain significance (1 of 4 stars; one submission).

Submission:

Labcorp Genetics (formerly Invitae), Labcorp
Classification: Uncertain significance. Last evaluated: 2022-10-23. Review status: criteria provided, single submitter. Criteria: Invitae Variant Classification Sherloc (09022015). Collection method: clinical testing. Allele origin: germline.
Comment: This variant is not present in population databases (gnomAD no frequency). This sequence change replaces glycine, which is neutral and non-polar, with aspartic acid, which is acidic and polar, at codon 2323 of the VCAN protein (p.Gly2323Asp). This variant has not been reported in the literature in individuals affected with VCAN-related conditions. In summary, the available evidence is currently insufficient to determine the role of this variant in disease. Therefore, it has been classified as a Variant of Uncertain Significance. Algorithms developed to predict the effect of missense changes on protein structure and function output the following: SIFT: "Tolerated"; PolyPhen-2: "Benign"; Align-GVGD: "Class C0". The aspartic acid amino acid residue is found in multiple mammalian species, which suggests that this missense change does not adversely affect protein function.